The following is an entry in ClinVar:

ClinVar aggregate classification (germline): Conflicting classifications of pathogenicity. Review status: criteria provided, conflicting classifications (1 of 4 stars). 6 submissions from 6 submitters: Uncertain significance (3); Likely benign (3). Last evaluated 2025-04-01.

Conditions:
AFF4-related disorder. Also called: AFF4-related condition.
Inborn genetic diseases. Identifiers: MedGen C0950123, MeSH D030342.
Cognitive impairment - coarse facies - heart defects - obesity - pulmonary involvement - short stature - skeletal dysplasia syndrome. Also called: Chops syndrome; AFF4-Related CHOPS Syndrome; COGNITIVE IMPAIRMENT, COARSE FACIES, HEART DEFECTS, OBESITY, PULMONARY INVOLVEMENT, SHORT STATURE, AND SKELETAL DYSPLASIA. Identifiers: Orphanet 444077, MedGen C4085597, MONDO:0014609, OMIM 616368.

Allele frequency attached by ClinVar (database versions not stated): ExAC 0.00001; gnomAD exomes 0.00001 and 0.00002; TOPMed 0.00001.
gnomAD v4.1: 37 of 1,613,584 alleles (0.0023%); highest among the groups gnomAD compares: Non-Finnish European, 0.0027%; no homozygotes.

Submissions (6):

CeGaT Center for Human Genetics Tuebingen
Classification: Likely benign. Last evaluated: 2025-04-01. Review status: criteria provided, single submitter. Criteria: CeGaT Center For Human Genetics Tuebingen Variant Classification Criteria Version 2. Collection method: clinical testing. Allele origin: germline. Affected: yes. Observed: 3 variant alleles.
Comment: AFF4: PP2, BP4, BS2

Ambry Genetics
Classification: Uncertain significance for Inborn genetic diseases. Last evaluated: 2024-12-13. Review status: criteria provided, single submitter. Criteria: Ambry Variant Classification Scheme 2023. Collection method: clinical testing. Allele origin: germline.

PreventionGenetics, part of Exact Sciences
Classification: Uncertain significance for AFF4-related condition. Last evaluated: 2024-11-22. Review status: criteria provided, single submitter. Criteria: ACMG Guidelines, 2015. Collection method: clinical testing. Allele origin: germline.
Comment: The AFF4 c.2995A>G variant is predicted to result in the amino acid substitution p.Thr999Ala. To our knowledge, this variant has not been reported in the literature. This variant is reported in 0.0018% of alleles in individuals of European (Non-Finnish) descent in gnomAD. At this time, the clinical significance of this variant is uncertain due to the absence of conclusive functional and genetic evidence.

Blueprint Genetics
Classification: Likely benign. Last evaluated: 2024-11-17. Review status: criteria provided, single submitter. Criteria: ACMG Guidelines, 2015. Collection method: clinical testing. Allele origin: germline.

Labcorp Genetics (formerly Invitae), Labcorp
Classification: Uncertain significance for Cognitive impairment - coarse facies - heart defects - obesity - pulmonary involvement - short stature - skeletal dysplasia syndrome. Last evaluated: 2024-09-04. Review status: criteria provided, single submitter. Criteria: Invitae Variant Classification Sherloc (09022015). Collection method: clinical testing. Allele origin: germline.
Comment: This sequence change replaces threonine, which is neutral and polar, with alanine, which is neutral and non-polar, at codon 999 of the AFF4 protein (p.Thr999Ala). This variant is present in population databases (rs780871066, gnomAD 0.002%). This variant has not been reported in the literature in individuals affected with AFF4-related conditions. ClinVar contains an entry for this variant (Variation ID: 1356977). Invitae Evidence Modeling of protein sequence and biophysical properties (such as structural, functional, and spatial information, amino acid conservation, physicochemical variation, residue mobility, and thermodynamic stability) indicates that this missense variant is not expected to disrupt AFF4 protein function with a negative predictive value of 80%. In summary, the available evidence is currently insufficient to determine the role of this variant in disease. Therefore, it has been classified as a Variant of Uncertain Significance.

Institute of Human Genetics, FAU Erlangen, Friedrich-Alexander-Universität Erlangen-Nürnberg
Classification: Likely benign for Cognitive impairment - coarse facies - heart defects - obesity - pulmonary involvement - short stature - skeletal dysplasia syndrome. Last evaluated: 2023-10-13. Review status: criteria provided, single submitter. Criteria: Hauer et al. (Genet Med. 2018). Collection method: clinical testing. Allele origin: germline. Inheritance: Autosomal dominant inheritance. Affected: yes. Observed: 2 variant alleles.
Comment: This variant has been identified by standard clinical testing. Selected ACMG criteria: Likely benign (I):BS2;BP4

NM_014423.4(AFF4):c.2995A>G (p.Thr999Ala)

Gene: AFF4 (ALF transcription elongation factor 4; minus strand). Cytogenetic location: 5q31.1.
Variant type: single nucleotide variant.
Coding change: c.2995A>G on transcript NM_014423.4 (MANE Select); coding-DNA position 2995, A replaced by G.
Protein change: p.Thr999Ala; replaces threonine 999 with alanine.
Molecular consequence: missense variant.
Genome position (GRCh38, 1-based): chr5:132,887,531, T>C on the plus strand (A>G on the coding strand, the complement: AFF4 is on the minus strand). VCF-style: chr5-132887531-T-C. GRCh37 (hg19) VCF-style: chr5-132223223-T-C.
Other names: c.2995A>G (NM_014423.3); short protein forms T999A.
Identifiers: ClinVar variation 1356977 (VCV001356977.32), dbSNP rs780871066, ClinGen allele CA3408780.
Genomic context (GRCh38, chr5:132,887,531, plus strand): 5'-TATTATAGAACTTCCTGTATCTAGCAGAGGCTAGAACACAGAAAACTCACCAAAGTACTG[T>C]GAGTCGTTTATCTGCAGCTGTAGCATCTGGTGCCAAGTAATTCTTTAGCTTCATAGTGTA-3'
Protein context (NP_055238.1, residues 989-1009): PDATAADKRL[Thr999Ala]VLCLRCESLL